The following is an entry in ClinVar:

ClinVar aggregate classification (germline): Likely pathogenic. Review status: criteria provided, multiple submitters, no conflicts (2 of 4 stars). 2 submissions from 2 submitters: Likely pathogenic (2). Last evaluated 2023-12-07.

Conditions:
Cerebrooculofacioskeletal syndrome 2 (COFS2). Identifiers: MedGen C1853102, MONDO:0012553, OMIM 610756.

Submissions (2):

Baylor Genetics
Classification: Likely pathogenic for Cerebrooculofacioskeletal syndrome 2. Last evaluated: 2023-12-07. Review status: criteria provided, single submitter. Criteria: ACMG Guidelines, 2015. Collection method: clinical testing. Allele origin: unknown.

Labcorp Genetics (formerly Invitae), Labcorp
Classification: Likely pathogenic. Last evaluated: 2023-11-14. Review status: criteria provided, single submitter. Criteria: Invitae Variant Classification Sherloc (09022015). Collection method: clinical testing. Allele origin: germline.
Comment: This sequence change affects a donor splice site in intron 9 of the ERCC2 gene. It is expected to disrupt RNA splicing. Variants that disrupt the donor or acceptor splice site typically lead to a loss of protein function (PMID: 16199547), and loss-of-function variants in ERCC2 are known to be pathogenic (PMID: 9238033, 11335038, 19085937, 19934020). This variant is not present in population databases (gnomAD no frequency). This variant has not been reported in the literature in individuals affected with ERCC2-related conditions. Algorithms developed to predict the effect of sequence changes on RNA splicing suggest that this variant may disrupt the consensus splice site. In summary, the currently available evidence indicates that the variant is pathogenic, but additional data are needed to prove that conclusively. Therefore, this variant has been classified as Likely Pathogenic.

Literature cited by the submitters: PubMed 16199547 (cited by Labcorp Genetics (formerly Invitae), Labcorp); PubMed 9238033 (cited by Labcorp Genetics (formerly Invitae), Labcorp); PubMed 11335038 (cited by Labcorp Genetics (formerly Invitae), Labcorp); PubMed 19085937 (cited by Labcorp Genetics (formerly Invitae), Labcorp); PubMed 19934020 (cited by Labcorp Genetics (formerly Invitae), Labcorp).

NM_000400.4(ERCC2):c.815+1G>A

Gene: ERCC2 (ERCC excision repair 2, TFIIH core complex helicase subunit; minus strand). Cytogenetic location: 19q13.32.
Variant type: single nucleotide variant.
Coding change: c.815+1G>A on transcript NM_000400.4 (MANE Select); the canonical splice donor site of the intron after coding-DNA position 815, G replaced by A.
Molecular consequence: splice donor variant.
Genome position (GRCh38, 1-based): chr19:45,364,234, C>T on the plus strand (G>A on the coding strand, the complement: ERCC2 is on the minus strand). VCF-style: chr19-45364234-C-T. GRCh37 (hg19) VCF-style: chr19-45867492-C-T.
Other names: c.743+1G>A (NM_001130867.2).
Identifiers: ClinVar variation 2675064 (VCV002675064.5), dbSNP rs2514030892, ClinGen allele CA406373945.
Genomic context (GRCh38, chr19:45,364,234, plus strand): 5'-AGACAGGGGCCAGGGTCCCAGGGGCAGGGCGGGCACCACCGCCAGACGTCCCCGGCCCCA[C>T]CTGAGCACCGTCTTCTGCAGGGTCTCCAGGTTGCCCTGGCACCGGTCAAGGGTCCGGCGG-3'